The following is an entry in ClinVar:

ClinVar aggregate classification (germline): Likely benign. Review status: criteria provided, multiple submitters, no conflicts (2 of 4 stars). 2 submissions from 2 submitters: Likely benign (2). Last evaluated 2025-12-29.

Allele frequency attached by ClinVar (database versions not stated): ExAC 0.00001; gnomAD exomes 0.00001 and 0.00002; TOPMed 0.00002; gnomAD 0.00003; ESP Exome Variant Server 0.00008.

Submissions (2):

Labcorp Genetics (formerly Invitae), Labcorp
Classification: Likely benign. Last evaluated: 2025-12-29. Review status: criteria provided, single submitter. Criteria: Invitae Variant Classification Sherloc (09022015). Collection method: clinical testing. Allele origin: germline.

Laboratory for Molecular Medicine, Mass General Brigham Personalized Medicine
Classification: Likely benign. Last evaluated: 2013-03-13. Review status: criteria provided, single submitter. Criteria: LMM Criteria. Collection method: clinical testing. Allele origin: germline. Observed: 1 variant allele.
Comment: Gln7Gln in Exon 02 of GJB2: This variant is not expected to have clinical signif icance because it does not alter an amino acid residue, is not located within th e splice consensus sequence, and has been identified in 0.02% (1/4406) African American chromosomes from a broad population by the NHLBI Exome Sequencing Proje ct (dbSNP rs137932057).

NM_004004.6(GJB2):c.21G>A (p.Gln7=)

Gene: GJB2 (gap junction protein beta 2; minus strand). Cytogenetic location: 13q12.11.
Variant type: single nucleotide variant.
Coding change: c.21G>A on transcript NM_004004.6 (MANE Select); coding-DNA position 21, G replaced by A.
Protein change: p.Gln7=; no amino-acid change (glutamine 7 retained).
Molecular consequence: synonymous variant.
Genome position (GRCh38, 1-based): chr13:20,189,561, C>T on the plus strand (G>A on the coding strand, the complement: GJB2 is on the minus strand). VCF-style: chr13-20189561-C-T. GRCh37 (hg19) VCF-style: chr13-20763700-C-T.
Identifiers: ClinVar variation 178348 (VCV000178348.12), dbSNP rs137932057, ClinGen allele CA182152.
Genomic context (GRCh38, chr13:20,189,561, plus strand): 5'-GACGGTGAGCCAGATCTTTCCAATGCTGGTGGAGTGTTTGTTCACACCCCCCAGGATCGT[C>T]TGCAGCGTGCCCCAATCCATCTTCTACTCTGGGCGGTTTGCTCTGGAAAAGACGAATGCA-3'
Protein context (NP_003995.2, residues 1-17): MDWGTL[Gln7=]TILGGVNKHS